The following is an entry in ClinVar:

NM_001943.5(DSG2):c.1284T>C (p.Tyr428=)

Gene: DSG2 (desmoglein 2; plus strand). Cytogenetic location: 18q12.1.
Variant type: single nucleotide variant.
Coding change: c.1284T>C on transcript NM_001943.5 (MANE Select); coding-DNA position 1284, T replaced by C.
Protein change: p.Tyr428=; no amino-acid change (tyrosine 428 retained).
Molecular consequence: synonymous variant.
Genome position (GRCh38, 1-based): chr18:31,535,273, T>C. VCF-style: chr18-31535273-T-C. GRCh37 (hg19) VCF-style: chr18-29115236-T-C.
Identifiers: ClinVar variation 163207 (VCV000163207.19), dbSNP rs202095254, ClinGen allele CA021329.

ClinVar aggregate classification (germline): Likely benign. Review status: criteria provided, multiple submitters, no conflicts (2 of 4 stars). 5 submissions from 5 submitters: Likely benign (5). Last evaluated 2026-01-20.

Conditions:
Cardiovascular phenotype. Identifiers: MedGen CN230736.
Cardiomyopathy (CMYO). Also called: Cardiomyopathies. Identifiers: Orphanet 167848, MedGen C0878544, MONDO:0004994, HP:0001638. Inheritance: Various modes of inheritance.
Arrhythmogenic right ventricular dysplasia 10. Also called: Arrhythmogenic Right Ventricular Dysplasia/Cardiomyopathy10; Arrhythmogenic right ventricular dysplasia/cardiomyopathy, type 10; ARRHYTHMOGENIC RIGHT VENTRICULAR DYSPLASIA, FAMILIAL, 10. Identifiers: MedGen C1857777, MONDO:0012434, OMIM 610193.

Allele frequency attached by ClinVar (database versions not stated): gnomAD 0.00001 and 0.00003; gnomAD exomes 0.00003; TOPMed 0.00003; ExAC 0.00004; ESP Exome Variant Server 0.00009; 1000 Genomes Project 0.00040; 1000 Genomes Project 30x 0.00047.
gnomAD v4.1: 50 of 1,581,408 alleles (0.0032%); highest among the groups gnomAD compares: African/African-American, 0.004%; no homozygotes.

Submissions (5):

Labcorp Genetics (formerly Invitae), Labcorp
Classification: Likely benign for Arrhythmogenic right ventricular dysplasia 10. Last evaluated: 2026-01-20. Review status: criteria provided, single submitter. Criteria: Invitae Variant Classification Sherloc (09022015). Collection method: clinical testing. Allele origin: germline.

Blueprint Genetics
Classification: Likely benign. Last evaluated: 2024-05-29. Review status: criteria provided, single submitter. Criteria: ACMG Guidelines, 2015. Collection method: clinical testing. Allele origin: germline.

Ambry Genetics
Classification: Likely benign for Cardiovascular phenotype. Last evaluated: 2021-11-01. Review status: criteria provided, single submitter. Criteria: Ambry Variant Classification Scheme 2023. Collection method: clinical testing. Allele origin: germline.

Color Diagnostics, LLC DBA Color Health
Classification: Likely benign for Cardiomyopathy. Last evaluated: 2019-11-13. Review status: criteria provided, single submitter. Criteria: ACMG Guidelines, 2015. Collection method: clinical testing. Allele origin: germline.

Laboratory for Molecular Medicine, Mass General Brigham Personalized Medicine
Classification: Likely benign. Last evaluated: 2012-03-19. Review status: criteria provided, single submitter. Criteria: LMM Criteria. Collection method: clinical testing. Allele origin: germline. Observed: 1 variant allele.
Comment: p.Tyr428Tyr in Exon 10 of DSG2: This variant is not expected to have clinical si gnificance because it does not alter an amino acid residue, is not located withi n the splice consensus sequence. It has been identified in 1/2870 African Americ an chromosomes from a broad population by the NHLBI Exome Sequencing Project.